The following is an entry in ClinVar:

NM_001384732.1(CPLANE1):c.403_405del (p.Ser135del)

Gene: CPLANE1 (ciliogenesis and planar polarity effector complex subunit 1; minus strand). Cytogenetic location: 5p13.2.
Variant type: Deletion.
Coding change: c.403_405del on transcript NM_001384732.1 (MANE Select); coding-DNA positions 403 to 405, 3 bases deleted (TCT; older notation c.403_405delTCT).
Protein change: p.Ser135del; deletes serine 135.
Molecular consequence: inframe deletion.
Genome position (GRCh38, 1-based): chr5:37,244,540-37,244,542, AGA deleted on the plus strand (TCT on the coding strand, the reverse complement: CPLANE1 is on the minus strand); deleting any 3 consecutive bases within chr5:37,244,540-37,244,544 gives the same sequence; the c. name uses the placement nearest the transcript's 3' end. VCF-style (leftmost placement, unchanged base first): chr5-37244539-CAGA-C. GRCh37 (hg19) VCF-style: chr5-37244641-CAGA-C.
Other names: c.403_405del, p.Ser135del (NM_023073.4); short protein forms S135del.
Identifiers: ClinVar variation 1994424 (VCV001994424.4), dbSNP rs1738830895, ClinGen allele CA1539703613.
Genomic context (GRCh38, chr5:37,244,539, plus strand): 5'-AAAGGCTTTTAGAAGATAAGATATTCTTTAATTCCAAATATTCCCAAAGAAATATGCATC[CAGA>C]AGGTGTTATGAGCACAATTCTTTTCCCATTTCCAGATACATACAAGTACAGTCTCAAAGA-3'

ClinVar aggregate classification (germline): Uncertain significance (1 of 4 stars; one submission).

Submission:

Labcorp Genetics (formerly Invitae), Labcorp
Classification: Uncertain significance. Last evaluated: 2022-07-13. Review status: criteria provided, single submitter. Criteria: Invitae Variant Classification Sherloc (09022015). Collection method: clinical testing. Allele origin: germline.
Comment: This variant, c.403_405del, results in the deletion of 1 amino acid(s) of the CPLANE1 protein (p.Ser135del), but otherwise preserves the integrity of the reading frame. This variant is not present in population databases (gnomAD no frequency). This variant has not been reported in the literature in individuals affected with CPLANE1-related conditions. Experimental studies and prediction algorithms are not available or were not evaluated, and the functional significance of this variant is currently unknown. In summary, the available evidence is currently insufficient to determine the role of this variant in disease. Therefore, it has been classified as a Variant of Uncertain Significance.